The following is an entry in ClinVar:

ClinVar aggregate classification (germline): Conflicting classifications of pathogenicity. Review status: criteria provided, conflicting classifications (1 of 4 stars). 2 submissions from 2 submitters: Uncertain significance (1); Likely benign (1). Last evaluated 2024-09-20.

Conditions:
Developmental and epileptic encephalopathy, 77. Also called: GLYCOSYLPHOSPHATIDYLINOSITOL BIOSYNTHESIS DEFECT 19; MULTIPLE CONGENITAL ANOMALIES-HYPOTONIA-SEIZURES SYNDROME 4; EPILEPTIC ENCEPHALOPATHY, EARLY INFANTILE, 77. Identifiers: MedGen C5231405, MONDO:0032808, OMIM 618548.
Epilepsy. Also called: Seizure disorder. Identifiers: MedGen C0014544, MeSH D004827, MONDO:0005027.

Allele frequency attached by ClinVar (database versions not stated): gnomAD 0.00006 and 0.00005; gnomAD exomes 0.00014; ExAC 0.00015; TOPMed 0.00006.
gnomAD v4.1: 150 of 1,605,134 alleles (0.0093%); highest among the groups gnomAD compares: Middle Eastern, 0.1%; no homozygotes.

Submissions (2):

3billion
Classification: Likely benign for Developmental and epileptic encephalopathy, 77. Last evaluated: 2024-09-20. Review status: criteria provided, single submitter. Criteria: ACMG Guidelines, 2015. Collection method: clinical testing. Allele origin: germline. Affected: no.
Comment: The homozygous variant was found in patients diagnosed with another variant in a different gene, with no symptoms related to the gene containing the homozygous variant.

Labcorp Genetics (formerly Invitae), Labcorp
Classification: Uncertain significance for Epilepsy. Last evaluated: 2022-09-27. Review status: criteria provided, single submitter. Criteria: Invitae Variant Classification Sherloc (09022015). Collection method: clinical testing. Allele origin: germline.
Comment: This sequence change replaces arginine, which is basic and polar, with histidine, which is basic and polar, at codon 177 of the PIGQ protein (p.Arg177His). This variant is present in population databases (rs774945335, gnomAD 0.2%). This variant has not been reported in the literature in individuals affected with PIGQ-related conditions. ClinVar contains an entry for this variant (Variation ID: 1002772). Algorithms developed to predict the effect of missense changes on protein structure and function output the following: SIFT: "Tolerated"; PolyPhen-2: "Benign"; Align-GVGD: "Class C0". The histidine amino acid residue is found in multiple mammalian species, which suggests that this missense change does not adversely affect protein function. In summary, the available evidence is currently insufficient to determine the role of this variant in disease. Therefore, it has been classified as a Variant of Uncertain Significance.

NM_004204.5(PIGQ):c.530G>A (p.Arg177His)

Gene: PIGQ (phosphatidylinositol glycan anchor biosynthesis class Q; plus strand). Cytogenetic location: 16p13.3.
Variant type: single nucleotide variant.
Coding change: c.530G>A on transcript NM_004204.5 (MANE Select); coding-DNA position 530, G replaced by A.
Protein change: p.Arg177His; replaces arginine 177 with histidine.
Molecular consequence: missense variant.
Genome position (GRCh38, 1-based): chr16:574,604, G>A. VCF-style: chr16-574604-G-A. GRCh37 (hg19) VCF-style: chr16-624604-G-A.
Other names: c.530G>A, p.Arg177His (NM_148920.4); short protein forms R177H.
Identifiers: ClinVar variation 1002772 (VCV001002772.7), dbSNP rs774945335, ClinGen allele CA7779898.
Genomic context (GRCh38, chr16:574,604, plus strand): 5'-CCAGCACGGGGGGCCTGGCTGCCGTCTTCGACACGGTAGCACGCAGTGAGGTGCTCTTCC[G>A]CAGTGACCGCTTTGATGAGGGCCCCGTGCGGCTGAGCCACTGGCAGTCGGAGGGCGTGGA-3'
Protein context (NP_004195.2, residues 167-187): DTVARSEVLF[Arg177His]SDRFDEGPVR